The following is an entry in ClinVar:

ClinVar aggregate classification (germline): Likely benign (0 of 4 stars; one submission).

Conditions:
PTPRS-related disorder. Also called: PTPRS-related condition.

Allele frequency attached by ClinVar (database versions not stated): gnomAD exomes below 0.00001; TOPMed below 0.00001; gnomAD 0.00001.
gnomAD v4.1: 3 of 1,613,818 alleles (0.00019%); highest among the groups gnomAD compares: East Asian, 0.0067%; no homozygotes.

Submission:

PreventionGenetics, part of Exact Sciences
Classification: Likely benign for PTPRS-related condition. Last evaluated: 2023-09-27. Review status: no assertion criteria provided. Collection method: clinical testing. Allele origin: germline.
Comment: This variant is classified as likely benign based on ACMG/AMP sequence variant interpretation guidelines (Richards et al. 2015 PMID: 25741868, with internal and published modifications).

NM_002850.4(PTPRS):c.5250C>T (p.Tyr1750=)

Gene: PTPRS (protein tyrosine phosphatase receptor type S; minus strand). Cytogenetic location: 19p13.3.
Variant type: single nucleotide variant.
Coding change: c.5250C>T on transcript NM_002850.4 (MANE Select); coding-DNA position 5250, C replaced by T.
Protein change: p.Tyr1750=; no amino-acid change (tyrosine 1750 retained).
Molecular consequence: synonymous variant.
Genome position (GRCh38, 1-based): chr19:5,210,790, G>A on the plus strand (C>T on the coding strand, the complement: PTPRS is on the minus strand). VCF-style: chr19-5210790-G-A. GRCh37 (hg19) VCF-style: chr19-5210801-G-A.
Other names: c.5184C>T, p.Tyr1728= (NM_001394011.1); c.5163C>T, p.Tyr1721= (NM_001394012.1); c.5124C>T, p.Tyr1708= (NM_001394013.1); c.3909C>T, p.Tyr1303= (NM_130853.3); c.5136C>T, p.Tyr1712= (NM_130854.3); c.3921C>T, p.Tyr1307= (NM_130855.3).
Identifiers: ClinVar variation 3033015 (VCV003033015.2), dbSNP rs116188095, ClinGen allele CA304603409.